The following is an entry in ClinVar:

NM_016239.4(MYO15A):c.2546C>T (p.Pro849Leu)

Gene: MYO15A (myosin XVA; plus strand). Cytogenetic location: 17p11.2.
Variant type: single nucleotide variant.
Coding change: c.2546C>T on transcript NM_016239.4 (MANE Select); coding-DNA position 2546, C replaced by T.
Protein change: p.Pro849Leu; replaces proline 849 with leucine.
Molecular consequence: missense variant.
Genome position (GRCh38, 1-based): chr17:18,121,346, C>T. VCF-style: chr17-18121346-C-T. GRCh37 (hg19) VCF-style: chr17-18024660-C-T.
Other names: c.2546C>T (NM_016239.3); short protein forms P849L.
Identifiers: ClinVar variation 2904815 (VCV002904815.5), dbSNP rs1179007410, ClinGen allele CA398584450.
Genomic context (GRCh38, chr17:18,121,346, plus strand): 5'-CCGCTGGGCGCCTGGGCCCACCCGGCTCGCCGCTGCCGGGCTCACCCAGGCCGCCCTCGC[C>T]GCCCCTGGGGCTCTGCCACAGCCCGCGGCGCAGCTCCCTGAATCTGCCCTCGCGCCTCCC-3'
Protein context (NP_057323.3, residues 839-859): PLPGSPRPPS[Pro849Leu]PLGLCHSPRR

ClinVar aggregate classification (germline): Conflicting classifications of pathogenicity. Review status: criteria provided, conflicting classifications (1 of 4 stars). 3 submissions from 3 submitters: Uncertain significance (2); Likely benign (1). Last evaluated 2024-10-12.

Conditions:
Inborn genetic diseases. Identifiers: MedGen C0950123, MeSH D030342.

Allele frequency attached by ClinVar (database versions not stated): gnomAD exomes 0.00001; gnomAD 0.00002; TOPMed 0.00003.
gnomAD v4.1: 15 of 1,418,104 alleles (0.0011%); highest among the groups gnomAD compares: East Asian, 0.018%; no homozygotes.

Submissions (3):

Ambry Genetics
Classification: Uncertain significance for Inborn genetic diseases. Last evaluated: 2024-10-12. Review status: criteria provided, single submitter. Criteria: Ambry Variant Classification Scheme 2023. Collection method: clinical testing. Allele origin: germline.

GeneDx
Classification: Uncertain significance. Last evaluated: 2024-05-30. Review status: criteria provided, single submitter. Criteria: GeneDx Variant Classification Process June 2021. Collection method: clinical testing. Allele origin: germline. Affected: yes.
Comment: In silico analysis indicates that this missense variant does not alter protein structure/function; Has not been previously published as pathogenic or benign to our knowledge

Labcorp Genetics (formerly Invitae), Labcorp
Classification: Likely benign. Last evaluated: 2024-01-03. Review status: criteria provided, single submitter. Criteria: Invitae Variant Classification Sherloc (09022015). Collection method: clinical testing. Allele origin: germline.